The following is an entry in ClinVar:

NM_000091.5(COL4A3):c.280-41_280-40insG

Genes: COL4A3 (collagen type IV alpha 3 chain; plus strand), MFF-DT (MFF divergent transcript; minus strand). Cytogenetic location: 2q36.3.
Variant type: Insertion.
Coding change: c.280-41_280-40insG on transcript NM_000091.5 (MANE Select); 41 bases into the intron before coding-DNA position 280 through 40 bases into the intron before coding-DNA position 280, G inserted.
Molecular consequence: intron variant.
Genome position: GRCh38 VCF-style: chr2-227244910-T-TG. GRCh37 (hg19) VCF-style: chr2-228109626-T-TG.
Identifiers: ClinVar variation 1288409 (VCV001288409.3), dbSNP rs113428834, ClinGen allele CA2146012.
Genomic context (GRCh38, chr2:227,244,910, plus strand): 5'-GGAAAAAGATTATCGCAATGGTAAATAAATTTATGTTTATAGATTGAACATTTTTAAAGT[T>TG]TTTTTTTTTTGCCACCCCCTCCTTTTTCCTATGTCTTCAGGGAATAAGTGGATTGCCAGG-3'

ClinVar aggregate classification (germline): Benign. Review status: criteria provided, multiple submitters, no conflicts (2 of 4 stars). 2 submissions from 2 submitters: Benign (2). Last evaluated 2024-07-15.

Allele frequency attached by ClinVar (database versions not stated): gnomAD exomes 0.72193 and 0.74450; 1000 Genomes Project 0.74920; ExAC 0.74940; gnomAD 0.75023 and 0.75632; 1000 Genomes Project 30x 0.75062; ESP Exome Variant Server 0.76612.

Submissions (2):

Unidad de Genómica Garrahan, Hospital de Pediatría Garrahan
Classification: Benign. Last evaluated: 2024-07-15. Review status: criteria provided, single submitter. Criteria: ACMG Guidelines, 2015. Collection method: clinical testing. Allele origin: germline. Affected: no. Observed: 89 variant alleles.
Comment: This variant is classified as Benign based on local population frequency. This variant was detected in 96% of patients studied in a panel designed for Epileptic and Developmental Encephalopathy and Progressive Myoclonus Epilepsy. Number of patients: 89. Only high quality variants are reported.

GeneDx
Classification: Benign. Last evaluated: 2019-11-19. Review status: criteria provided, single submitter. Criteria: GeneDx Variant Classification Process June 2021. Collection method: clinical testing. Allele origin: germline. Affected: yes.